The following is an entry in ClinVar:

ClinVar aggregate classification (germline): Uncertain significance (1 of 4 stars; one submission).

Allele frequency attached by ClinVar (database versions not stated): gnomAD 0.00001.

Submission:

Labcorp Genetics (formerly Invitae), Labcorp
Classification: Uncertain significance. Last evaluated: 2022-06-27. Review status: criteria provided, single submitter. Criteria: Invitae Variant Classification Sherloc (09022015). Collection method: clinical testing. Allele origin: germline.
Comment: This sequence change replaces tryptophan, which is neutral and slightly polar, with cysteine, which is neutral and slightly polar, at codon 67 of the TTPA protein (p.Trp67Cys). This variant is not present in population databases (gnomAD no frequency). This variant has not been reported in the literature in individuals affected with TTPA-related conditions. Algorithms developed to predict the effect of missense changes on protein structure and function are either unavailable or do not agree on the potential impact of this missense change (SIFT: "Deleterious"; PolyPhen-2: "Probably Damaging"; Align-GVGD: "Class C0"). In summary, the available evidence is currently insufficient to determine the role of this variant in disease. Therefore, it has been classified as a Variant of Uncertain Significance.

NM_000370.3(TTPA):c.201G>C (p.Trp67Cys)

Gene: TTPA (alpha tocopherol transfer protein; minus strand). Cytogenetic location: 8q12.3.
Variant type: single nucleotide variant.
Coding change: c.201G>C on transcript NM_000370.3 (MANE Select); coding-DNA position 201, G replaced by C.
Protein change: p.Trp67Cys; replaces tryptophan 67 with cysteine.
Molecular consequence: missense variant.
Genome position (GRCh38, 1-based): chr8:63,085,821, C>G on the plus strand (G>C on the coding strand, the complement: TTPA is on the minus strand). VCF-style: chr8-63085821-C-G. GRCh37 (hg19) VCF-style: chr8-63998380-C-G.
Other names: short protein forms W67C.
Identifiers: ClinVar variation 1380931 (VCV001380931.5), dbSNP rs1805741130, ClinGen allele CA371403352.